The following is an entry in ClinVar:

ClinVar aggregate classification (germline): Benign (1 of 4 stars; one submission).

Allele frequency attached by ClinVar (database versions not stated): ExAC 0.00007; gnomAD 0.00029; TOPMed 0.00040.
gnomAD v4.1: 159 of 1,614,240 alleles (0.0098%); highest among the groups gnomAD compares: Admixed American, 0.092%; no homozygotes.

Submission:

CeGaT Center for Human Genetics Tuebingen
Classification: Benign. Last evaluated: 2022-06-01. Review status: criteria provided, single submitter. Criteria: CeGaT Center For Human Genetics Tuebingen Variant Classification Criteria Version 2. Collection method: clinical testing. Allele origin: germline. Affected: yes. Observed: 1 variant allele.
Comment: MYO1A: BS1, BS2

NM_005379.4(MYO1A):c.2220T>G (p.Tyr740Ter)

Gene: MYO1A (myosin IA; minus strand). Cytogenetic location: 12q13.3.
Variant type: single nucleotide variant.
Coding change: c.2220T>G on transcript NM_005379.4 (MANE Select); coding-DNA position 2220, T replaced by G.
Protein change: p.Tyr740Ter; replaces tyrosine 740 with a stop codon.
Molecular consequence: nonsense.
Genome position (GRCh38, 1-based): chr12:57,036,826, A>C on the plus strand (T>G on the coding strand, the complement: MYO1A is on the minus strand). VCF-style: chr12-57036826-A-C. GRCh37 (hg19) VCF-style: chr12-57430610-A-C.
Other names: c.2220T>G, p.Tyr740Ter (NM_001256041.2); short protein forms Y740*.
Identifiers: ClinVar variation 2643106 (VCV002643106.24), dbSNP rs776793669, ClinGen allele CA6639813.
Genomic context (GRCh38, chr12:57,036,826, plus strand): 5'-CATTACCTTCCACCCTCTCACAAAAGCCTGGATCAATAACACGGATGCCTTTATCTTCCC[A>C]TAGCATTTCTTTTGCTGTAGAAAACATAGGAGTTGTTAGAAAAATGGCACCTCCTGAGCC-3'